The following is an entry in ClinVar:

ClinVar aggregate classification (germline): Uncertain significance (1 of 4 stars; one submission).

Submission:

GeneDx
Classification: Uncertain significance. Last evaluated: 2025-06-04. Review status: criteria provided, single submitter. Criteria: GeneDx Variant Classification Process June 2021. Collection method: clinical testing. Allele origin: germline. Affected: yes.
Comment: Not observed at significant frequency in large population cohorts (gnomAD); In silico analysis supports that this missense variant has a deleterious effect on protein structure/function; Has not been previously published as pathogenic or benign to our knowledge

NM_181332.3(NLGN4X):c.233A>G (p.Tyr78Cys)

Gene: NLGN4X (neuroligin 4 X-linked; minus strand). Cytogenetic location: Xp22.31.
Variant type: single nucleotide variant.
Coding change: c.233A>G on transcript NM_181332.3 (MANE Select); coding-DNA position 233, A replaced by G.
Protein change: p.Tyr78Cys; replaces tyrosine 78 with cysteine.
Molecular consequence: missense variant.
Genome position (GRCh38, 1-based): chrX:6,151,234, T>C on the plus strand (A>G on the coding strand, the complement: NLGN4X is on the minus strand). VCF-style: chrX-6151234-T-C. GRCh37 (hg19) VCF-style: chrX-6069275-T-C.
Other names: c.233A>G, p.Tyr78Cys (NM_001282145.2, NM_001282146.2, NM_001441322.1 and 4 more transcripts); short protein forms Y78C.
Identifiers: ClinVar variation 4536413 (VCV004536413.1).